The following is an entry in ClinVar:

NM_001080517.3(SETD5):c.2206C>G (p.Leu736Val)

Gene: SETD5 (SET domain containing 5; plus strand). Cytogenetic location: 3p25.3.
Variant type: single nucleotide variant.
Coding change: c.2206C>G on transcript NM_001080517.3 (MANE Select); coding-DNA position 2206, C replaced by G.
Protein change: p.Leu736Val; replaces leucine 736 with valine.
Molecular consequence: missense variant.
Genome position (GRCh38, 1-based): chr3:9,448,490, C>G. VCF-style: chr3-9448490-C-G. GRCh37 (hg19) VCF-style: chr3-9490174-C-G.
Other names: c.1912C>G, p.Leu638Val (NM_001292043.2, NM_001349451.2); short protein forms L638V, L736V.
Identifiers: ClinVar variation 1711891 (VCV001711891.4), dbSNP rs368466781, ClinGen allele CA2239386.
Genomic context (GRCh38, chr3:9,448,490, plus strand): 5'-GAGTGCCCTGTTGAGTGCCCTTTACGTATCACAACGGATCCAACTGTACTGGCAACGACC[C>G]TAAACATGTTACCAGGTCTTATCCATTCCCCGTTAATTTGCACCACCCCCAAACACTACA-3'
Protein context (NP_001073986.1, residues 726-746): TTDPTVLATT[Leu736Val]NMLPGLIHSP

ClinVar aggregate classification (germline): Uncertain significance. Review status: criteria provided, multiple submitters, no conflicts (2 of 4 stars). 2 submissions from 2 submitters: Uncertain significance (2). Last evaluated 2024-06-17.

gnomAD v4.1: 1 of 1,613,862 alleles (0.000062%); highest among the groups gnomAD compares: Non-Finnish European, 0.000085%; no homozygotes.

Submissions (2):

Labcorp Genetics (formerly Invitae), Labcorp
Classification: Uncertain significance. Last evaluated: 2024-06-17. Review status: criteria provided, single submitter. Criteria: Invitae Variant Classification Sherloc (09022015). Collection method: clinical testing. Allele origin: germline.
Comment: This sequence change replaces leucine, which is neutral and non-polar, with valine, which is neutral and non-polar, at codon 736 of the SETD5 protein (p.Leu736Val). This variant is present in population databases (rs368466781, gnomAD 0.0009%). This variant has not been reported in the literature in individuals affected with SETD5-related conditions. ClinVar contains an entry for this variant (Variation ID: 1711891). Advanced modeling of protein sequence and biophysical properties (such as structural, functional, and spatial information, amino acid conservation, physicochemical variation, residue mobility, and thermodynamic stability) performed at Invitae indicates that this missense variant is not expected to disrupt SETD5 protein function with a negative predictive value of 80%. In summary, the available evidence is currently insufficient to determine the role of this variant in disease. Therefore, it has been classified as a Variant of Uncertain Significance.

GeneDx
Classification: Uncertain significance. Last evaluated: 2022-04-19. Review status: criteria provided, single submitter. Criteria: GeneDx Variant Classification Process June 2021. Collection method: clinical testing. Allele origin: germline. Affected: yes.
Comment: Not observed at significant frequency in large population cohorts (gnomAD); In silico analysis supports that this missense variant does not alter protein structure/function; Has not been previously published as pathogenic or benign to our knowledge